The following is an entry in ClinVar:

NM_007194.4(CHEK2):c.828_830del (p.Ile276_Leu277delinsMet)

Gene: CHEK2 (checkpoint kinase 2; minus strand). Cytogenetic location: 22q12.1.
Variant type: Deletion.
Coding change: c.828_830del on transcript NM_007194.4 (MANE Select); coding-DNA positions 828 to 830, 3 bases deleted (TTT; older notation c.828_830delTTT).
Protein change: p.Ile276_Leu277delinsMet.
Molecular consequence: inframe indel.
Genome position (GRCh38, 1-based): chr22:28,710,022-28,710,024, AAA deleted on the plus strand (TTT on the coding strand, the reverse complement: CHEK2 is on the minus strand); deleting any 3 consecutive bases within chr22:28,710,022-28,710,025 gives the same sequence; the c. name uses the placement nearest the transcript's 3' end. VCF-style (leftmost placement, unchanged base first): chr22-28710021-CAAA-C. GRCh37 (hg19) VCF-style: chr22-29106009-CAAA-C.
Other names: c.956_958delTTT, p.Ile319_Leu320delinsMet (NM_001005735.3); c.164_166delTTT, p.Ile55_Leu56delinsMet (NM_001257387.3); c.626_628delTTT, p.Ile209_Leu210delinsMet (NM_001349956.3); c.827_829delTTT, p.Ile276_Leu277delinsMet (NM_145862.3).
Identifiers: ClinVar variation 567221 (VCV000567221.8), dbSNP rs1569137812, ClinGen allele CA891844297.

ClinVar aggregate classification (germline): Uncertain significance (1 of 4 stars; one submission).

Conditions:
Familial cancer of breast. Also called: BREAST CANCER, FAMILIAL; Hereditary breast cancer; hereditary breast carcinoma. Identifiers: Orphanet 227535, MedGen C0346153, MONDO:0016419, OMIM 114480. Disease mechanism: loss of function.

Submission:

Labcorp Genetics (formerly Invitae), Labcorp
Classification: Uncertain significance for Familial cancer of breast. Last evaluated: 2018-04-24. Review status: criteria provided, single submitter. Criteria: Invitae Variant Classification Sherloc (09022015). Collection method: clinical testing. Allele origin: germline.
Comment: In summary, the available evidence is currently insufficient to determine the role of this variant in disease. Therefore, it has been classified as a Variant of Uncertain Significance. Experimental studies and prediction algorithms are not available for this variant, and the functional significance of the deleted amino acids is currently unknown. This variant has not been reported in the literature in individuals with CHEK2-related disease. This variant is not present in population databases (ExAC no frequency). This variant results in in-frame substitution of two amino acid residues at codons 276 and 277 of the CHEK2 protein (p.Ile276_Leu277delinsMet), but otherwise preserves the integrity of the reading frame.